The following is an entry in ClinVar:

NM_000361.3(THBD):c.607G>T (p.Asp203Tyr)

Gene: THBD (thrombomodulin; minus strand). Cytogenetic location: 20p11.21.
Variant type: single nucleotide variant.
Coding change: c.607G>T on transcript NM_000361.3 (MANE Select); coding-DNA position 607, G replaced by T.
Protein change: p.Asp203Tyr; replaces aspartic acid 203 with tyrosine.
Molecular consequence: missense variant.
Genome position (GRCh38, 1-based): chr20:23,048,898, C>A on the plus strand (G>T on the coding strand, the complement: THBD is on the minus strand). VCF-style: chr20-23048898-C-A. GRCh37 (hg19) VCF-style: chr20-23029535-C-A.
Other names: short protein forms D203Y.
Identifiers: ClinVar variation 2124450 (VCV002124450.5), dbSNP rs1984658106, ClinGen allele CA408407331.

ClinVar aggregate classification (germline): Uncertain significance. Review status: criteria provided, multiple submitters, no conflicts (2 of 4 stars). 2 submissions from 2 submitters: Uncertain significance (2). Last evaluated 2024-06-17.

Conditions:
Atypical hemolytic-uremic syndrome with thrombomodulin anomaly. Also called: HEMOLYTIC UREMIC SYNDROME, ATYPICAL, SUSCEPTIBILITY TO, 6; AHUS, SUSCEPTIBILITY TO, 6. Identifiers: MedGen C2752036, MONDO:0013044, OMIM 612926. Disease mechanism: gain of function.
Thrombomodulin-related bleeding disorder (THPH12). Also called: Thrombophilia due to thrombomodulin defect. Identifiers: Orphanet 436169, MedGen C3280976, MONDO:0013775, OMIM 614486.

Allele frequency attached by ClinVar (database versions not stated): TOPMed below 0.00001.
gnomAD v4.1: 10 of 1,519,518 alleles (0.00066%); highest among the groups gnomAD compares: Non-Finnish European, 0.00088%; no homozygotes.

Submissions (2):

Fulgent Genetics
Classification: Uncertain significance for Atypical hemolytic-uremic syndrome with thrombomodulin anomaly; Thrombomodulin-related bleeding disorder. Last evaluated: 2024-06-17. Review status: criteria provided, single submitter. Criteria: ACMG Guidelines, 2015. Collection method: clinical testing. Allele origin: germline.

Labcorp Genetics (formerly Invitae), Labcorp
Classification: Uncertain significance. Last evaluated: 2022-04-18. Review status: criteria provided, single submitter. Criteria: Invitae Variant Classification Sherloc (09022015). Collection method: clinical testing. Allele origin: germline.
Comment: This sequence change replaces aspartic acid, which is acidic and polar, with tyrosine, which is neutral and polar, at codon 203 of the THBD protein (p.Asp203Tyr). This variant is not present in population databases (gnomAD no frequency). This variant has not been reported in the literature in individuals affected with THBD-related conditions. Algorithms developed to predict the effect of missense changes on protein structure and function are either unavailable or do not agree on the potential impact of this missense change (SIFT: "Deleterious"; PolyPhen-2: "Probably Damaging"; Align-GVGD: "Class C0"). In summary, the available evidence is currently insufficient to determine the role of this variant in disease. Therefore, it has been classified as a Variant of Uncertain Significance.